The following is an entry in ClinVar:

ClinVar aggregate classification (germline): Likely benign (1 of 4 stars; one submission).

Allele frequency attached by ClinVar (database versions not stated): 1000 Genomes Project 30x 0.00437; 1000 Genomes Project 0.00439; gnomAD 0.00453 and 0.00486; TOPMed 0.00519.

Submission:

GeneDx
Classification: Likely benign. Last evaluated: 2018-06-16. Review status: criteria provided, single submitter. Criteria: GeneDx Variant Classification (06012015). Collection method: clinical testing. Allele origin: germline. Affected: yes.
Comment: This variant is considered likely benign or benign based on one or more of the following criteria: it is a conservative change, it occurs at a poorly conserved position in the protein, it is predicted to be benign by multiple in silico algorithms, and/or has population frequency not consistent with disease.

NM_000152.5(GAA):c.2190-286G>A

Gene: GAA (alpha glucosidase; plus strand). Cytogenetic location: 17q25.3.
Variant type: single nucleotide variant.
Coding change: c.2190-286G>A on transcript NM_000152.5 (MANE Select); 286 bases into the intron before coding-DNA position 2190, G replaced by A.
Molecular consequence: intron variant.
Genome position (GRCh38, 1-based): chr17:80,116,682, G>A. VCF-style: chr17-80116682-G-A. GRCh37 (hg19) VCF-style: chr17-78090481-G-A.
Other names: c.2190-286G>A (NM_001079803.3, NM_001079804.3).
Identifiers: ClinVar variation 673365 (VCV000673365.1), dbSNP rs115541603, ClinGen allele CA294856163.